The following is an entry in ClinVar:

NM_002451.4(MTAP):c.*884T>A

Gene: MTAP (methylthioadenosine phosphorylase; plus strand). Cytogenetic location: 9p21.3.
Variant type: single nucleotide variant.
Coding change: c.*884T>A on transcript NM_002451.4 (MANE Select); 884 bases downstream of the stop codon, T replaced by A.
Molecular consequence: 3 prime UTR variant.
Genome position (GRCh38, 1-based): chr9:21,862,898, T>A. VCF-style: chr9-21862898-T-A. GRCh37 (hg19) VCF-style: chr9-21862897-T-A.
Identifiers: ClinVar variation 366268 (VCV000366268.6), dbSNP rs1134871, ClinGen allele CA10627082.

ClinVar aggregate classification (germline): Benign. Review status: criteria provided, multiple submitters, no conflicts (2 of 4 stars). 2 submissions from 2 submitters: Benign (2). Last evaluated 2018-01-13.

Conditions:
Diaphyseal medullary stenosis-bone malignancy syndrome. Also called: MYOPATHY, LIMB-GIRDLE, WITH BONE FRAGILITY; BONE DYSPLASIA WITH MALIGNANT FIBROUS HISTIOCYTOMA; BONE DYSPLASIA WITH MEDULLARY FIBROSARCOMA. Identifiers: Orphanet 85182, MedGen C1862177, MONDO:0007205, OMIM 112250.

Allele frequency attached by ClinVar (database versions not stated): gnomAD 0.43727 and 0.44065; TOPMed 0.46753; 1000 Genomes Project 0.53195; 1000 Genomes Project 30x 0.54169.
gnomAD v4.1: 277,509 of 940,496 alleles (30%); highest among the groups gnomAD compares: African/African-American, 69%; 47,902 homozygotes.

Submissions (2):

Illumina Laboratory Services, Illumina
Classification: Benign for Diaphyseal medullary stenosis-bone malignancy syndrome. Last evaluated: 2018-01-13. Review status: criteria provided, single submitter. Criteria: ICSL Variant Classification Criteria 13 December 2019. Collection method: clinical testing. Allele origin: germline.
Comment: This variant was observed in the ICSL laboratory as part of a predisposition screen in an ostensibly healthy population. It had not been previously curated by ICSL or reported in the Human Gene Mutation Database (HGMD: prior to June 1st, 2018), and was therefore a candidate for classification through an automated scoring system. Utilizing variant allele frequency, disease prevalence and penetrance estimates, and inheritance mode, an automated score was calculated to assess if this variant is too frequent to cause the disease. Based on the score and internal cut-off values, a variant classified as benign is not then subjected to further curation. The score for this variant resulted in a classification of benign for this disease.

Breakthrough Genomics
Classification: Benign. Review status: criteria provided, single submitter. Criteria: ACMG Guidelines, 2015. Collection method: not provided. Allele origin: germline. Inheritance: Autosomal dominant inheritance. Affected: yes.